The following is an entry in ClinVar:

NM_001363711.2(DUOX2):c.1247del (p.Gly416fs)

Gene: DUOX2 (dual oxidase 2; minus strand). Cytogenetic location: 15q21.1.
Variant type: Deletion.
Coding change: c.1247del on transcript NM_001363711.2 (MANE Select); coding-DNA position 1247, one base deleted (G; older notation c.1247delG).
Protein change: p.Gly416fs; shifts the reading frame from glycine 416.
Molecular consequence: frameshift variant.
Genome position (GRCh38, 1-based): chr15:45,108,940, C deleted on the plus strand (G on the coding strand, the reverse complement: DUOX2 is on the minus strand); the first of 2 consecutive C bases (chr15:45,108,940-45,108,941); deleting either gives the same sequence. VCF-style (leftmost placement, unchanged base first): chr15-45108939-GC-G. GRCh37 (hg19) VCF-style: chr15-45401137-GC-G.
Other names: c.1247del, p.Gly416fs (NM_014080.5); short protein forms G416fs.
Identifiers: ClinVar variation 1985409 (VCV001985409.4), dbSNP rs781333691, ClinGen allele CA7538672.
Genomic context (GRCh38, chr15:45,108,939, plus strand): 5'-CATATCTCGGCCACGTTGGATGCTGCTGGCCACATAGTCTGTACGGGAGAATTTGCCAGG[GC>G]CAGGCCAGTAATCTGAAGAGGAGAGAAGACTAGACTATGGGCTTTGTCCTCTCCATCCTT-3'

ClinVar aggregate classification (germline): Pathogenic (1 of 4 stars; one submission).

Submission:

Labcorp Genetics (formerly Invitae), Labcorp
Classification: Pathogenic. Last evaluated: 2022-04-30. Review status: criteria provided, single submitter. Criteria: Invitae Variant Classification Sherloc (09022015). Collection method: clinical testing. Allele origin: germline.
Comment: This variant is present in population databases (rs781333691, gnomAD 0.01%). This sequence change creates a premature translational stop signal (p.Gly416Alafs*67) in the DUOX2 gene. It is expected to result in an absent or disrupted protein product. Loss-of-function variants in DUOX2 are known to be pathogenic (PMID: 12110737, 18765513, 21565790, 24423310, 24735383). This variant has not been reported in the literature in individuals affected with DUOX2-related conditions. For these reasons, this variant has been classified as Pathogenic.

Literature cited by the submitters: PubMed 12110737; PubMed 18765513; PubMed 21565790; PubMed 24423310; PubMed 24735383.